The following is an entry in ClinVar:

ClinVar aggregate classification (germline): Uncertain significance (1 of 4 stars; one submission).

Submission:

Ambry Genetics
Classification: Uncertain significance. Last evaluated: 2025-04-04. Review status: criteria provided, single submitter. Criteria: Ambry Variant Classification Scheme 2023. Collection method: clinical testing. Allele origin: germline.
Comment: The p.Q436P variant (also known as c.1307A>C), located in coding exon 7 of the PALLD gene, results from an A to C substitution at nucleotide position 1307. The glutamine at codon 436 is replaced by proline, an amino acid with similar properties. This amino acid position is conserved. In addition, the in silico prediction for this alteration is inconclusive. Based on the available evidence, the clinical significance of this variant remains unclear.

NM_001166108.2(PALLD):c.2819A>C (p.Gln940Pro)

Genes: CBR4 (carbonyl reductase 4; minus strand), PALLD (palladin, cytoskeletal associated protein; plus strand). Cytogenetic location: 4q32.3.
Variant type: single nucleotide variant.
Coding change: c.2819A>C on transcript NM_001166108.2 (MANE Select); coding-DNA position 2819, A replaced by C.
Protein change: p.Gln940Pro; replaces glutamine 940 with proline.
Molecular consequence: missense variant.
Genome position (GRCh38, 1-based): chr4:168,915,996, A>C. VCF-style: chr4-168915996-A-C. GRCh37 (hg19) VCF-style: chr4-169837147-A-C.
Other names: c.1622A>C, p.Gln541Pro (NM_001166109.2); c.1307A>C, p.Gln436Pro (NM_001166110.2); c.647A>C, p.Gln216Pro (NM_001367567.1, NM_001367569.1); c.698A>C, p.Gln233Pro (NM_001367568.1, NM_001367570.1); c.2768A>C, p.Gln923Pro (NM_016081.4); short protein forms Q233P, Q436P, Q541P, Q940P, Q216P, Q923P.
Identifiers: ClinVar variation 3927526 (VCV003927526.1).